The following is an entry in ClinVar:

NM_001165963.4(SCN1A):c.5734C>G (p.Arg1912Gly)

Genes: SCN1A (sodium voltage-gated channel alpha subunit 1; minus strand), LOC102724058 (uncharacterized LOC102724058; plus strand). Cytogenetic location: 2q24.3.
Variant type: single nucleotide variant.
Coding change: c.5734C>G on transcript NM_001165963.4 (MANE Select); coding-DNA position 5734, C replaced by G.
Protein change: p.Arg1912Gly; replaces arginine 1912 with glycine.
Molecular consequence: missense variant. On other transcripts: non-coding transcript variant (1).
Genome position (GRCh38, 1-based): chr2:165,991,541, G>C on the plus strand (C>G on the coding strand, the complement: SCN1A is on the minus strand). VCF-style: chr2-165991541-G-C. GRCh37 (hg19) VCF-style: chr2-166848051-G-C.
Other names: c.5650C>G, p.Arg1884Gly (NM_001165964.3, NM_001353957.2, NM_001353958.2); c.5734C>G, p.Arg1912Gly (NM_001202435.3, NM_001353948.2); c.5701C>G, p.Arg1901Gly (NM_001353949.2, NM_001353950.2, NM_001353951.2 and 2 more transcripts); c.5698C>G, p.Arg1900Gly (NM_001353954.2, NM_001353955.2); c.5647C>G, p.Arg1883Gly (NM_001353960.2); c.3292C>G, p.Arg1098Gly (NM_001353961.2); short protein forms R1884G, R1900G, R1901G, R1912G, R1098G, R1883G.
Identifiers: ClinVar variation 2010908 (VCV002010908.4), dbSNP rs77216276, ClinGen allele CA349064421.

ClinVar aggregate classification (germline): Pathogenic (1 of 4 stars; one submission).

Conditions:
Early-infantile DEE. Also called: Early infantile epileptic encephalopathy; Ohtahara syndrome; Early infantile epileptic encephalopathy with suppression bursts. Identifiers: Orphanet 1934, MedGen C0393706, MONDO:0800491.

Submission:

Labcorp Genetics (formerly Invitae), Labcorp
Classification: Pathogenic for Early-infantile DEE. Last evaluated: 2023-12-04. Review status: criteria provided, single submitter. Criteria: Invitae Variant Classification Sherloc (09022015). Collection method: clinical testing. Allele origin: germline.
Comment: This sequence change replaces arginine, which is basic and polar, with glycine, which is neutral and non-polar, at codon 1912 of the SCN1A protein (p.Arg1912Gly). This variant is not present in population databases (gnomAD no frequency). This missense change has been observed in individual(s) with clinical features of autosomal dominant developmental and epileptic encephalopathy (Invitae). In at least one individual the variant was observed to be de novo. ClinVar contains an entry for this variant (Variation ID: 2010908). Advanced modeling of protein sequence and biophysical properties (such as structural, functional, and spatial information, amino acid conservation, physicochemical variation, residue mobility, and thermodynamic stability) performed at Invitae indicates that this missense variant is expected to disrupt SCN1A protein function with a positive predictive value of 95%. For these reasons, this variant has been classified as Pathogenic.